The following is an entry in ClinVar:

NM_022787.4(NMNAT1):c.480G>C (p.Leu160Phe)

Gene: NMNAT1 (nicotinamide nucleotide adenylyltransferase 1; plus strand). Cytogenetic location: 1p36.22.
Variant type: single nucleotide variant.
Coding change: c.480G>C on transcript NM_022787.4 (MANE Select); coding-DNA position 480, G replaced by C.
Protein change: p.Leu160Phe; replaces leucine 160 with phenylalanine.
Molecular consequence: missense variant.
Genome position (GRCh38, 1-based): chr1:9,982,341, G>C. VCF-style: chr1-9982341-G-C. GRCh37 (hg19) VCF-style: chr1-10042399-G-C.
Other names: c.480G>C, p.Leu160Phe (NM_001297778.1); c.480G>C (NM_022787.3); short protein forms L160F.
Identifiers: ClinVar variation 1503572 (VCV001503572.8), dbSNP rs1049428996, ClinGen allele CA18240078.

ClinVar aggregate classification (germline): Uncertain significance. Review status: criteria provided, multiple submitters, no conflicts (2 of 4 stars). 2 submissions from 2 submitters: Uncertain significance (2). Last evaluated 2026-02-23.

Conditions:
Leber congenital amaurosis 9 (LCA9). Also called: LCA 9; Amaurosis congenita of Leber, type 9; LCA9 Leber Congenital Amaurosis. Identifiers: Orphanet 65, MedGen C1837873, MONDO:0012056, OMIM 608553.

Allele frequency attached by ClinVar (database versions not stated): gnomAD exomes below 0.00001 and 0.00001; gnomAD 0.00001; TOPMed 0.00001.
gnomAD v4.1: 7 of 1,613,900 alleles (0.00043%); highest among the groups gnomAD compares: Non-Finnish European, 0.00059%; no homozygotes.

Submissions (2):

GeneDx
Classification: Uncertain significance. Last evaluated: 2026-02-23. Review status: criteria provided, single submitter. Criteria: GeneDx Variant Classification Process June 2021. Collection method: clinical testing. Allele origin: germline.
Comment: Not observed at significant frequency in large population cohorts (gnomAD); In silico analysis supports that this missense variant has a deleterious effect on protein structure/function; This variant is associated with the following publications: (PMID: 38184646)

Labcorp Genetics (formerly Invitae), Labcorp
Classification: Uncertain significance for Leber congenital amaurosis 9. Last evaluated: 2021-05-21. Review status: criteria provided, single submitter. Criteria: Invitae Variant Classification Sherloc (09022015). Collection method: clinical testing. Allele origin: germline.
Comment: This sequence change replaces leucine with phenylalanine at codon 160 of the NMNAT1 protein (p.Leu160Phe). The leucine residue is highly conserved and there is a small physicochemical difference between leucine and phenylalanine. This variant is not present in population databases (ExAC no frequency). This variant has not been reported in the literature in individuals with NMNAT1-related conditions. Algorithms developed to predict the effect of missense changes on protein structure and function are either unavailable or do not agree on the potential impact of this missense change (SIFT: "Deleterious"; PolyPhen-2: "Probably Damaging"; Align-GVGD: "Class C0"). In summary, the available evidence is currently insufficient to determine the role of this variant in disease. Therefore, it has been classified as a Variant of Uncertain Significance.